The following is an entry in ClinVar:

NM_001148.6(ANK2):c.4045A>T (p.Met1349Leu)

Gene: ANK2 (ankyrin 2; plus strand). Cytogenetic location: 4q26.
Variant type: single nucleotide variant.
Coding change: c.4045A>T on transcript NM_001148.6 (MANE Select); coding-DNA position 4045, A replaced by T.
Protein change: p.Met1349Leu; replaces methionine 1349 with leucine.
Molecular consequence: missense variant.
Genome position (GRCh38, 1-based): chr4:113,341,839, A>T. VCF-style: chr4-113341839-A-T. GRCh37 (hg19) VCF-style: chr4-114262995-A-T.
Other names: c.4018A>T, p.Met1340Leu (NM_001127493.3); c.4057A>T, p.Met1353Leu (NM_001354225.2); c.3946A>T, p.Met1316Leu (NM_001354228.2, NM_001354258.2); c.4024A>T, p.Met1342Leu (NM_001354230.2); c.4087A>T, p.Met1363Leu (NM_001354231.2, NM_001354242.2); c.4081A>T, p.Met1361Leu (NM_001354232.2); c.4042A>T, p.Met1348Leu (NM_001354235.2, NM_001354246.2, NM_001354265.2); c.3943A>T, p.Met1315Leu (NM_001354236.2); and 31 more; short protein forms M1188L, M1221L, M1249L, M1254L, M1262L, M1274L, M1278L, M1282L.
Identifiers: ClinVar variation 3378359 (VCV003378359.1).

ClinVar aggregate classification (germline): Uncertain significance (1 of 4 stars; one submission).

Submission:

GeneDx
Classification: Uncertain significance. Last evaluated: 2024-05-14. Review status: criteria provided, single submitter. Criteria: GeneDx Variant Classification Process June 2021. Collection method: clinical testing. Allele origin: germline. Affected: yes.
Comment: Not observed at significant frequency in large population cohorts (gnomAD); In silico analysis supports that this missense variant has a deleterious effect on protein structure/function; Has not been previously published as pathogenic or benign to our knowledge